The following is an entry in ClinVar:

NM_001243177.4(ALDOA):c.1186A>G (p.Lys396Glu)

Genes: ALDOA (aldolase, fructose-bisphosphate A; plus strand), LOC112694756 (uncharaterized LOC112694756; plus strand). Cytogenetic location: 16p11.2.
Variant type: single nucleotide variant.
Coding change: c.1186A>G on transcript NM_001243177.4 (MANE Select); coding-DNA position 1186, A replaced by G.
Protein change: p.Lys396Glu; replaces lysine 396 with glutamic acid.
Molecular consequence: missense variant. On other transcripts: 3 prime UTR variant (3).
Genome position (GRCh38, 1-based): chr16:30,070,141, A>G. VCF-style: chr16-30070141-A-G. GRCh37 (hg19) VCF-style: chr16-30081462-A-G.
Other names: c.*1533A>G (NM_001365304.2, NM_001365305.2, NM_001365307.2); c.1024A>G, p.Lys342Glu (NM_001127617.2, NM_184041.5, NM_184043.2); short protein forms K342E, K396E.
Identifiers: ClinVar variation 2090569 (VCV002090569.1), dbSNP rs1421338770, ClinGen allele CA395495542.

ClinVar aggregate classification (germline): Uncertain significance (1 of 4 stars; one submission).

Conditions:
HNSHA due to aldolase A deficiency (GSD12). Also called: GLYCOGEN STORAGE DISEASE XII; GSD XII; RED CELL ALDOLASE DEFICIENCY; Glycogen storage disease due to aldolase A deficiency. Identifiers: Orphanet 57, MedGen C0272066, MONDO:0012747, OMIM 611881.

Allele frequency attached by ClinVar (database versions not stated): gnomAD exomes below 0.00001.
gnomAD v4.1: 2 of 1,614,064 alleles (0.00012%); highest among the groups gnomAD compares: South Asian, 0.0011%; no homozygotes.

Submission:

Labcorp Genetics (formerly Invitae), Labcorp
Classification: Uncertain significance for HNSHA due to aldolase A deficiency. Last evaluated: 2022-08-21. Review status: criteria provided, single submitter. Criteria: Invitae Variant Classification Sherloc (09022015). Collection method: clinical testing. Allele origin: germline.
Comment: This sequence change replaces lysine, which is basic and polar, with glutamic acid, which is acidic and polar, at codon 342 of the ALDOA protein (p.Lys342Glu). This variant is present in population databases (no rsID available, gnomAD 0.003%). This variant has not been reported in the literature in individuals affected with ALDOA-related conditions. Algorithms developed to predict the effect of missense changes on protein structure and function are either unavailable or do not agree on the potential impact of this missense change (SIFT: "Deleterious"; PolyPhen-2: "Benign"; Align-GVGD: "Class C0"). In summary, the available evidence is currently insufficient to determine the role of this variant in disease. Therefore, it has been classified as a Variant of Uncertain Significance.